The following is an entry in ClinVar:

NM_001367624.2(ZNF469):c.3406C>G (p.Gln1136Glu)

Gene: ZNF469 (zinc finger protein 469; plus strand). Cytogenetic location: 16q24.2.
Variant type: single nucleotide variant.
Coding change: c.3406C>G on transcript NM_001367624.2 (MANE Select); coding-DNA position 3406, C replaced by G.
Protein change: p.Gln1136Glu; replaces glutamine 1136 with glutamic acid.
Molecular consequence: missense variant.
Genome position (GRCh38, 1-based): chr16:88,430,876, C>G. VCF-style: chr16-88430876-C-G. GRCh37 (hg19) VCF-style: chr16-88497284-C-G.
Other names: NM_001127464.1:c.3322C>G; short protein forms Q1136E.
Identifiers: ClinVar variation 3821092 (VCV003821092.1).
Genomic context (GRCh38, chr16:88,430,876, plus strand): 5'-GGCCGAGGCGAGAAGAGGAAGGAAGTGGAGCTGACCCAGGGTCCCAGAGAGGATGAGCCA[C>G]AGAAACCCCGGAAGGCGGCGAGGCAGGAAGCCGGCGGGGACGGAGCCCCCGCGAACCCCG-3'
Protein context (NP_001354553.1, residues 1126-1146): LTQGPREDEP[Gln1136Glu]KPRKAARQEA

ClinVar aggregate classification (germline): Uncertain significance (1 of 4 stars; one submission).

Conditions:
Cardiovascular phenotype. Identifiers: MedGen CN230736.

gnomAD v4.1: 1 of 1,537,526 alleles (0.000065%); highest among the groups gnomAD compares: Non-Finnish European, 0.000087%; no homozygotes.

Submission:

Ambry Genetics
Classification: Uncertain significance for Cardiovascular phenotype. Last evaluated: 2024-12-20. Review status: criteria provided, single submitter. Criteria: Ambry Variant Classification Scheme 2023. Collection method: clinical testing. Allele origin: germline.
Comment: The p.Q1108E variant (also known as c.3322C>G), located in coding exon 2 of the ZNF469 gene, results from a C to G substitution at nucleotide position 3322. The glutamine at codon 1108 is replaced by glutamic acid, an amino acid with highly similar properties. This amino acid position is conserved. In addition, this alteration is predicted to be tolerated by in silico analysis. Based on the available evidence, the clinical significance of this variant remains unclear.